The following is an entry in ClinVar:

ClinVar aggregate classification (germline): Uncertain significance (1 of 4 stars; one submission).

Allele frequency attached by ClinVar (database versions not stated): gnomAD 0.00001 and 0.00002; gnomAD exomes 0.00001; ExAC 0.00002; TOPMed 0.00002.
gnomAD v4.1: 22 of 1,614,060 alleles (0.0014%); highest among the groups gnomAD compares: Middle Eastern, 0.12%; no homozygotes.

Submission:

GeneDx
Classification: Uncertain significance. Last evaluated: 2021-01-14. Review status: criteria provided, single submitter. Criteria: GeneDx Variant Classification Process June 2021. Collection method: clinical testing. Allele origin: germline. Affected: yes.
Comment: Has not been previously published as pathogenic or benign to our knowledge; Not observed at a significant frequency in large population cohorts (Lek et al., 2016); In silico analysis supports that this missense variant has a deleterious effect on protein structure/function, but is inconclusive as to whether the variant alters gene splicing; in the absence of RNA/functional studies, the actual effect of this sequence change is unknown.

NM_173076.3(ABCA12):c.3895G>A (p.Gly1299Arg)

Gene: ABCA12 (ATP binding cassette subfamily A member 12; minus strand). Cytogenetic location: 2q35.
Variant type: single nucleotide variant.
Coding change: c.3895G>A on transcript NM_173076.3 (MANE Select); coding-DNA position 3895, G replaced by A.
Protein change: p.Gly1299Arg; replaces glycine 1299 with arginine.
Molecular consequence: missense variant. On other transcripts: non-coding transcript variant (1).
Genome position (GRCh38, 1-based): chr2:214,987,728, C>T on the plus strand (G>A on the coding strand, the complement: ABCA12 is on the minus strand). VCF-style: chr2-214987728-C-T. GRCh37 (hg19) VCF-style: chr2-215852452-C-T.
Other names: c.2941G>A, p.Gly981Arg (NM_015657.4); short protein forms G1299R, G981R.
Identifiers: ClinVar variation 1313956 (VCV001313956.2), dbSNP rs754652423, ClinGen allele CA2091597.